The following is an entry in ClinVar:

ClinVar aggregate classification (germline): Uncertain significance (1 of 4 stars; one submission).

Submission:

CeGaT Center for Human Genetics Tuebingen
Classification: Uncertain significance. Last evaluated: 2023-09-01. Review status: criteria provided, single submitter. Criteria: CeGaT Center For Human Genetics Tuebingen Variant Classification Criteria Version 2. Collection method: clinical testing. Allele origin: germline. Affected: yes. Observed: 1 variant allele.
Comment: TUBGCP2: PM2, PM3:Supporting

NM_006659.4(TUBGCP2):c.1220T>C (p.Phe407Ser)

Gene: TUBGCP2 (tubulin gamma complex component 2; minus strand). Cytogenetic location: 10q26.3.
Variant type: single nucleotide variant.
Coding change: c.1220T>C on transcript NM_006659.4 (MANE Select); coding-DNA position 1220, T replaced by C.
Protein change: p.Phe407Ser; replaces phenylalanine 407 with serine.
Molecular consequence: missense variant. On other transcripts: non-coding transcript variant (1).
Genome position (GRCh38, 1-based): chr10:133,289,964, A>G on the plus strand (T>C on the coding strand, the complement: TUBGCP2 is on the minus strand). VCF-style: chr10-133289964-A-G. GRCh37 (hg19) VCF-style: chr10-135103468-A-G.
Other names: c.1304T>C, p.Phe435Ser (NM_001256617.2); c.830T>C, p.Phe277Ser (NM_001256618.2); short protein forms F277S, F407S, F435S.
Identifiers: ClinVar variation 2641016 (VCV002641016.24), dbSNP rs2493621267, ClinGen allele CA378823776.